The following is an entry in ClinVar:

ClinVar aggregate classification (germline): Uncertain significance (1 of 4 stars; one submission).

Submission:

GeneDx
Classification: Uncertain significance. Last evaluated: 2024-09-17. Review status: criteria provided, single submitter. Criteria: GeneDx Variant Classification Process June 2021. Collection method: clinical testing. Allele origin: germline. Affected: yes.
Comment: Not observed at significant frequency in large population cohorts (gnomAD); Missense variant in a gene in which most reported pathogenic variants are truncating/loss of function; Has not been previously published as pathogenic or benign to our knowledge; This variant is associated with the following publications: (PMID: 23975875)

NM_001267550.2(TTN):c.22138C>A (p.Leu7380Ile)

Gene: TTN (titin; minus strand). Cytogenetic location: 2q31.2.
Variant type: single nucleotide variant.
Coding change: c.22138C>A on transcript NM_001267550.2 (MANE Select); coding-DNA position 22138, C replaced by A.
Protein change: p.Leu7380Ile; replaces leucine 7380 with isoleucine.
Molecular consequence: missense variant. On other transcripts: intron variant (3).
Genome position (GRCh38, 1-based): chr2:178,722,761, G>T on the plus strand (C>A on the coding strand, the complement: TTN is on the minus strand). VCF-style: chr2-178722761-G-T. GRCh37 (hg19) VCF-style: chr2-179587488-G-T.
Other names: c.21187C>A, p.Leu7063Ile (NM_001256850.1); c.18406C>A, p.Leu6136Ile (NM_133378.4); c.13282+15321C>A (NM_003319.4); c.13858+15321C>A (NM_133437.4); c.13657+15321C>A (NM_133432.3); short protein forms L6136I, L7063I, L7380I.
Identifiers: ClinVar variation 3769856 (VCV003769856.1).